The following is an entry in ClinVar:

NM_002860.4(ALDH18A1):c.826C>T (p.Pro276Ser)

Gene: ALDH18A1 (aldehyde dehydrogenase 18 family member A1; minus strand). Cytogenetic location: 10q24.1.
Variant type: single nucleotide variant.
Coding change: c.826C>T on transcript NM_002860.4 (MANE Select); coding-DNA position 826, C replaced by T.
Protein change: p.Pro276Ser; replaces proline 276 with serine.
Molecular consequence: missense variant.
Genome position (GRCh38, 1-based): chr10:95,628,475, G>A on the plus strand (C>T on the coding strand, the complement: ALDH18A1 is on the minus strand). VCF-style: chr10-95628475-G-A. GRCh37 (hg19) VCF-style: chr10-97388232-G-A.
Other names: c.721C>T, p.Pro241Ser (NM_001323417.2); c.487C>T, p.Pro163Ser (NM_001323418.2); c.190C>T, p.Pro64Ser (NM_001323419.2); c.820C>T, p.Pro274Ser (NM_001017423.2, NM_001323415.2); c.493C>T, p.Pro165Ser (NM_001323412.2, NM_001323416.2); c.826C>T, p.Pro276Ser (NM_001323413.2, NM_001323414.2); short protein forms P163S, P165S, P241S, P274S, P276S, P64S.
Identifiers: ClinVar variation 985958 (VCV000985958.6), dbSNP rs372092118, ClinGen allele CA211794881.

ClinVar aggregate classification (germline): Uncertain significance. Review status: criteria provided, multiple submitters, no conflicts (2 of 4 stars). 2 submissions from 2 submitters: Uncertain significance (2). Last evaluated 2025-07-16.

Conditions:
Cutis laxa, autosomal dominant 3 (ADCL3). Identifiers: Orphanet 90348, MedGen C4225268, MONDO:0014706, OMIM 616603.
de Barsy syndrome. Also called: Cutis laxa-corneal clouding-oligophrenia syndrome. Identifiers: Orphanet 2962, MedGen C0268354, MONDO:0017569.
Autosomal dominant spastic paraplegia type 9. Identifiers: MedGen C1832669, MONDO:0015091.
Inborn genetic diseases. Identifiers: MedGen C0950123, MeSH D030342.

Allele frequency attached by ClinVar (database versions not stated): TOPMed 0.00001.
gnomAD v4.1: 3 of 1,613,662 alleles (0.00019%); highest among the groups gnomAD compares: Non-Finnish European, 0.00025%; no homozygotes.

Submissions (2):

Labcorp Genetics (formerly Invitae), Labcorp
Classification: Uncertain significance for Autosomal dominant spastic paraplegia type 9; de Barsy syndrome; Cutis laxa, autosomal dominant 3. Last evaluated: 2025-07-16. Review status: criteria provided, single submitter. Criteria: Invitae Variant Classification Sherloc (09022015). Collection method: clinical testing. Allele origin: germline.
Comment: This sequence change replaces proline, which is neutral and non-polar, with serine, which is neutral and polar, at codon 276 of the ALDH18A1 protein (p.Pro276Ser). This variant is present in population databases (no rsID available, gnomAD 0.0009%). This variant has not been reported in the literature in individuals affected with ALDH18A1-related conditions. ClinVar contains an entry for this variant (Variation ID: 985958). Invitae Evidence Modeling of protein sequence and biophysical properties (such as structural, functional, and spatial information, amino acid conservation, physicochemical variation, residue mobility, and thermodynamic stability) indicates that this missense variant is expected to disrupt ALDH18A1 protein function with a positive predictive value of 95%. In summary, the available evidence is currently insufficient to determine the role of this variant in disease. Therefore, it has been classified as a Variant of Uncertain Significance.

Ambry Genetics
Classification: Uncertain significance for Inborn genetic diseases. Last evaluated: 2018-04-22. Review status: criteria provided, single submitter. Criteria: Ambry exome assertion method (8-5-2015). Collection method: clinical testing. Allele origin: germline. Affected: yes. Observed: 1 variant allele.